The following is an entry in ClinVar:

ClinVar aggregate classification (germline): Uncertain significance. Review status: criteria provided, multiple submitters, no conflicts (2 of 4 stars). 2 submissions from 2 submitters: Uncertain significance (2). Last evaluated 2025-01-25.

Submissions (2):

Labcorp Genetics (formerly Invitae), Labcorp
Classification: Uncertain significance. Last evaluated: 2025-01-25. Review status: criteria provided, single submitter. Criteria: Invitae Variant Classification Sherloc (09022015). Collection method: clinical testing. Allele origin: germline.
Comment: This sequence change falls in intron 13 of the FLNB gene. It does not directly change the encoded amino acid sequence of the FLNB protein. This variant is not present in population databases (gnomAD no frequency). This variant has not been reported in the literature in individuals affected with FLNB-related conditions. ClinVar contains an entry for this variant (Variation ID: 1723443). Algorithms developed to predict the effect of sequence changes on RNA splicing suggest that this variant may disrupt the consensus splice site. In summary, the available evidence is currently insufficient to determine the role of this variant in disease. Therefore, it has been classified as a Variant of Uncertain Significance.

Women's Health and Genetics/Laboratory Corporation of America, LabCorp
Classification: Uncertain significance. Last evaluated: 2022-10-04. Review status: criteria provided, single submitter. Criteria: LabCorp Variant Classification Summary - May 2015. Collection method: clinical testing. Allele origin: germline.
Comment: Variant summary: FLNB c.2056-15_2056-10delCTGGCT is located close to a canonical splice site and therefore could affect mRNA splicing, leading to a significantly altered protein sequence. Several computational tools predict an impact on normal splicing: one predicts the variant abolishes the 3' acceptor site, two predict the variant weakens it, while one predicts no significant impact on splicing. However, these predictions have yet to be confirmed by functional studies. The variant was absent in 251288 control chromosomes (gnomAD). The available data on variant occurrences in the general population are insufficient to allow any conclusion about variant significance. To our knowledge, no occurrence of c.2056-15_2056-10delCTGGCT in individuals affected with Larsen Syndrome and no experimental evidence demonstrating its impact on protein function have been reported. No clinical diagnostic laboratories have submitted clinical-significance assessments for this variant to ClinVar after 2014. Based on the evidence outlined above, the variant was classified as uncertain significance.

NM_001457.4(FLNB):c.2056-15_2056-10del

Gene: FLNB (filamin B; plus strand). Cytogenetic location: 3p14.3.
Variant type: Deletion.
Coding change: c.2056-15_2056-10del on transcript NM_001457.4 (MANE Select); 15 bases into the intron before coding-DNA position 2056 through 10 bases into the intron before coding-DNA position 2056, 6 bases deleted (CTGGCT; older notation c.2056-15_2056-10delCTGGCT).
Molecular consequence: intron variant.
Genome position (GRCh38, 1-based): chr3:58,109,164-58,109,169, CTGGCT deleted; deleting any 6 consecutive bases within chr3:58,109,161-58,109,169 gives the same sequence; the c. name uses the placement nearest the transcript's 3' end. VCF-style (leftmost placement, unchanged base first): chr3-58109160-AGCTCTG-A. GRCh37 (hg19) VCF-style: chr3-58094887-AGCTCTG-A.
Other names: c.2056-15_2056-10del (NM_001164317.2, NM_001164318.2, NM_001164319.2).
Identifiers: ClinVar variation 1723443 (VCV001723443.4), dbSNP rs2097264430, ClinGen allele CA1367500431.